The following is an entry in ClinVar:

ClinVar aggregate classification (germline): Uncertain significance (1 of 4 stars; one submission).

Conditions:
Agammaglobulinemia 2, autosomal recessive (AGM2). Also called: AGAMMAGLOBULINEMIA, AUTOSOMAL RECESSIVE, DUE TO IGLL1 DEFECT. Identifiers: MedGen C3150750, MONDO:0013287, OMIM 613500.

Allele frequency attached by ClinVar (database versions not stated): gnomAD exomes below 0.00001 and 0.00001; ExAC 0.00001.
gnomAD v4.1: 3 of 1,614,126 alleles (0.00019%); highest among the groups gnomAD compares: Admixed American, 0.0017%; no homozygotes.

Submission:

Labcorp Genetics (formerly Invitae), Labcorp
Classification: Uncertain significance for Agammaglobulinemia 2, autosomal recessive. Last evaluated: 2022-11-01. Review status: criteria provided, single submitter. Criteria: Invitae Variant Classification Sherloc (09022015). Collection method: clinical testing. Allele origin: germline.
Comment: This sequence change replaces valine, which is neutral and non-polar, with methionine, which is neutral and non-polar, at codon 207 of the IGLL1 protein (p.Val207Met). This variant is present in population databases (rs779159751, gnomAD 0.003%). This variant has not been reported in the literature in individuals affected with IGLL1-related conditions. ClinVar contains an entry for this variant (Variation ID: 947731). Algorithms developed to predict the effect of missense changes on protein structure and function are either unavailable or do not agree on the potential impact of this missense change (SIFT: "Deleterious"; PolyPhen-2: "Probably Damaging"; Align-GVGD: "Class C0"). In summary, the available evidence is currently insufficient to determine the role of this variant in disease. Therefore, it has been classified as a Variant of Uncertain Significance.

NM_020070.4(IGLL1):c.619G>A (p.Val207Met)

Gene: IGLL1 (immunoglobulin lambda like polypeptide 1; minus strand). Cytogenetic location: 22q11.23.
Variant type: single nucleotide variant.
Coding change: c.619G>A on transcript NM_020070.4 (MANE Select); coding-DNA position 619, G replaced by A.
Protein change: p.Val207Met; replaces valine 207 with methionine.
Molecular consequence: missense variant. On other transcripts: 3 prime UTR variant (1).
Genome position (GRCh38, 1-based): chr22:23,573,289, C>T on the plus strand (G>A on the coding strand, the complement: IGLL1 is on the minus strand). VCF-style: chr22-23573289-C-T. GRCh37 (hg19) VCF-style: chr22-23915476-C-T.
Other names: c.622G>A, p.Val208Met (NM_001369906.1); c.*248G>A (NM_152855.3); short protein forms V207M, V208M.
Identifiers: ClinVar variation 947731 (VCV000947731.9), dbSNP rs779159751, ClinGen allele CA10143203.